The following continues an entry in ClinVar:

NM_000258.3(MYL3):c.427G>A (p.Glu143Lys)

Gene: MYL3. ClinVar aggregate classification (germline): Uncertain significance. Uncertain significance (1).

Submissions 14 to 20 of 20:

Laboratory for Molecular Medicine, Mass General Brigham Personalized Medicine
Classification: Likely pathogenic for Hypertrophic cardiomyopathy. Last evaluated: 2022-02-15. Review status: criteria provided, single submitter. Criteria: ACMG Guidelines, 2015. Collection method: clinical testing. Allele origin: germline. Inheritance: Autosomal dominant inheritance. Not counted in ClinVar's aggregate classification.
Comment: The p.Glu143Lys variant in MYL3 has been reported in the heterozygous state in >35 individuals with hypertrophic cardiomyopathy (HCM), many of whom are of reported Latino ancestry, suggesting it may be a founder mutation in that population (Gomez 2014 PMID: 25342278, McNamara 2017 PMID: 28658286, LMM data, GeneDx pers. comm., Invitae pers. comm., Ambry pers. comm.). A few of these individuals also carried a likely pathogenic variant in another HCM-associated gene. This variant has also been identified in the homozygous state in at least 5 individuals with early onset HCM or restrictive cardiomyopathy (RCM) and in 3 affected siblings who also had early onset disease (Olson 2002 PMID: 12021217, Caleshu 2011 PMID: 21823217, LMM data, Ambry pers. comm., Invitae pers comm.). Relatives who were heterozygous carriers of this variant were clinically unaffected (Olson, 2002 PMID: 12021217, Caleshu 2011 PMID: 21823217) suggesting reduced penetrance. Additionally, it has been reported in ClinVar (Variant ID: 14063) and has been identified in 0.01% (4/35436) of Latino chromosomes by gnomAD. In vitro and in vivo functional studies, including transgenic mice expressing the p.Glu413Lys human variant that had clinical features of RCM, support an impact on protein function (Lossie 2012 PMID: 22131351, Sahni 2015 PMID: 25910212, Yuan 2017 PMID: 28371863) and computational prediction tools and conservation analyses are consistent with pathogenicity. In summary, although additional studies are required to fully establish its clinical significance, this variant meets criteria to be classified as likely pathogenic for autosomal dominant HCM with reduced penetrance and is associated a more severe presentation when a pathogenic variant is also found on the second copy of the gene. ACMG/AMP Criteria applied: PS4, PS3_Moderate, PP3.

Center for Genomics, Ann and Robert H. Lurie Children's Hospital of Chicago
Classification: Uncertain significance for Hypertrophic cardiomyopathy 8. Last evaluated: 2021-03-30. Review status: criteria provided, single submitter. Criteria: ACMG Guidelines, 2015. Collection method: clinical testing. Allele origin: germline. Not counted in ClinVar's aggregate classification.
Comment: MYL3 NM_000258.2 exon 4 p.Glu143Lys (c.427G>A): This variant has been reported in the literature in the heterozygous state in at least 5 individuals with HCM, in the homozygous state in two siblings with early-onset HCM, and in the homozygous state in one individual with RCM (Olson 2002 PMID:12021217, Caleshu 2011 PMID:21823217, Gomez 2014 PMID:25342278, McNamara 2017 PMID:28658286, Walsh 2017 PMID:27532257). Of note, at least one of these individuals was also identified to carry an additional clinically significant cardiogenetic variant (McNamara 2017 PMID:28658286). This variant is present in 0.008% (3/34420) of Latino alleles in the Genome Aggregation Database and is present in ClinVar, with multiple labs classifying this variant as pathogenic or likely pathogenic (Variation ID:14063). Evolutionary conservation and computational predictive tools suggest that this variant may impact the protein. An in vitro functional study on rat cardiomyocytes demonstrated significantly reduced binding affinity of this protein to myosin heavy chains when compared to the wildtype, supporting that this variant impacts the protein (Lossie 2012 PMID:22131351). However, this study may not accurately represent in vivo biological function. In summary, data on this variant is highly suspicious for disease, but requires further evidence for pathogenicity. Therefore, this variant is classified as likely pathogenic.

CHEO Genetics Diagnostic Laboratory, Children's Hospital of Eastern Ontario
Classification: Likely pathogenic for Cardiomyopathy. Last evaluated: 2021-02-01. Review status: criteria provided, single submitter. Criteria: ACMG Guidelines, 2015. Collection method: clinical testing. Allele origin: germline. Not counted in ClinVar's aggregate classification.

Knight Diagnostic Laboratories, Oregon Health and Sciences University
Classification: Likely pathogenic for Cardiomyopathy, hypertrophic. Last evaluated: 2019-11-15. Review status: criteria provided, single submitter. Criteria: ACMG Guidelines, 2015. Collection method: clinical testing. Allele origin: germline. Observed: 1 variant allele. Not counted in ClinVar's aggregate classification.

Stanford Center for Inherited Cardiovascular Disease, Stanford University
Classification: Uncertain significance. Last evaluated: 2013-12-30. Review status: criteria provided, single submitter. Criteria: ACMG Guidelines, 2015. Collection method: provider interpretation. Allele origin: germline. Not counted in ClinVar's aggregate classification.

Leiden Muscular Dystrophy (MYL3)
No classification provided. Condition: Familial hypertrophic cardiomyopathy 8. Last evaluated: 2012-03-18. Review status: no classification provided. Collection method: curation. Allele origin: germline. Not counted in ClinVar's aggregate classification.

OMIM
Classification: Pathogenic for CARDIOMYOPATHY, FAMILIAL HYPERTROPHIC, 8. Last evaluated: 2011-09-01. Review status: no assertion criteria provided. Collection method: literature only. Allele origin: germline. Not counted in ClinVar's aggregate classification.

Literature cited by the submitters: PubMed 12021217 (cited by 8 submitters); PubMed 21823217 (cited by 8 submitters); PubMed 27532257 (cited by 7 submitters); PubMed 22131351 (cited by 7 submitters); PubMed 25342278 (cited by Ambry Genetics and Laboratory for Molecular Medicine, Mass General Brigham Personalized Medicine); PubMed 25910212 (cited by 3 submitters); PubMed 28356264 (cited by 3 submitters); PubMed 28371863 (cited by 5 submitters); PubMed 28658286 (cited by 4 submitters); PubMed 29669825 (cited by Ambry Genetics and Mayo Clinic Laboratories, Mayo Clinic); PubMed 30297972 (cited by 3 submitters); PubMed 31199839 (cited by 3 submitters); PubMed 31447099 (cited by 3 submitters); PubMed 30706179 (cited by 3 submitters); PubMed 30847666 (cited by All of Us Research Program, National Institutes of Health and Color Diagnostics, LLC DBA Color Health); PubMed 33495597 (cited by All of Us Research Program, National Institutes of Health and Color Diagnostics, LLC DBA Color Health); PubMed 35026164 (cited by All of Us Research Program, National Institutes of Health and Color Diagnostics, LLC DBA Color Health); PubMed 28771489 (cited by Mayo Clinic Laboratories, Mayo Clinic and Women's Health and Genetics/Laboratory Corporation of America, LabCorp); PubMed 34014247 (cited by Mayo Clinic Laboratories, Mayo Clinic); PubMed 34495297 (cited by Mayo Clinic Laboratories, Mayo Clinic); PubMed 37652022 (cited by Mayo Clinic Laboratories, Mayo Clinic).